The following is an entry in ClinVar:

NM_001035.3(RYR2):c.8356G>A (p.Gly2786Ser)

Gene: RYR2 (ryanodine receptor 2; plus strand). Cytogenetic location: 1q43.
Variant type: single nucleotide variant.
Coding change: c.8356G>A on transcript NM_001035.3 (MANE Select); coding-DNA position 8356, G replaced by A.
Protein change: p.Gly2786Ser; replaces glycine 2786 with serine.
Molecular consequence: missense variant.
Genome position (GRCh38, 1-based): chr1:237,660,867, G>A. VCF-style: chr1-237660867-G-A. GRCh37 (hg19) VCF-style: chr1-237824167-G-A.
Other names: c.8356G>A (NM_001035.2); short protein forms G2786S.
Identifiers: ClinVar variation 921446 (VCV000921446.8), dbSNP rs933570391, ClinGen allele CA39805980.

ClinVar aggregate classification (germline): Uncertain significance. Review status: criteria provided, multiple submitters, no conflicts (2 of 4 stars). 4 submissions from 4 submitters: Uncertain significance (4). Last evaluated 2025-09-12.

Conditions:
Catecholaminergic polymorphic ventricular tachycardia (CVPT). Also called: Catecholamine-induced polymorphic ventricular tachycardia. Identifiers: Orphanet 3286, MedGen C5574922, MONDO:0017990.
Cardiomyopathy (CMYO). Also called: Cardiomyopathies. Identifiers: Orphanet 167848, MedGen C0878544, MONDO:0004994, HP:0001638. Inheritance: Various modes of inheritance.
Cardiovascular phenotype. Identifiers: MedGen CN230736.

Allele frequency attached by ClinVar (database versions not stated): gnomAD exomes below 0.00001; TOPMed below 0.00001.
gnomAD v4.1: 4 of 1,544,988 alleles (0.00026%); highest among the groups gnomAD compares: Non-Finnish European, 0.00035%; no homozygotes.

Submissions (4):

Ambry Genetics
Classification: Uncertain significance for Cardiovascular phenotype. Last evaluated: 2025-09-12. Review status: criteria provided, single submitter. Criteria: Ambry Variant Classification Scheme 2023. Collection method: clinical testing. Allele origin: germline.
Comment: The p.G2786S variant (also known as c.8356G>A), located in coding exon 56 of the RYR2 gene, results from a G to A substitution at nucleotide position 8356. The glycine at codon 2786 is replaced by serine, an amino acid with similar properties. This amino acid position is well conserved in available vertebrate species. In addition, this alteration is predicted to be deleterious by in silico analysis. Based on the available evidence, the clinical significance of this variant remains unclear.

All of Us Research Program, National Institutes of Health
Classification: Uncertain significance for Catecholaminergic polymorphic ventricular tachycardia. Last evaluated: 2024-03-24. Review status: criteria provided, single submitter. Criteria: ACMG Guidelines, 2015. Collection method: clinical testing. Allele origin: germline. Inheritance: Autosomal dominant inheritance. Observed: 1 variant allele, 1 heterozygote.
Comment: Variant of Uncertain Significance due to insufficient evidence: This missense variant is located in the cytoplasmic domain of the RYR2 protein. Computational prediction tools and conservation analyses suggest that this variant may have deleterious impact on the protein function. Computational splicing tools suggest that this variant may not impact RNA splicing. To our knowledge, functional assays have not been performed for this variant nor has this variant been reported in individuals affected with cardiovascular disorders in the literature. This variant is rare in the general population and has been identified in 0/277264 chromosomes by the Genome Aggregation Database (gnomAD). Available evidence is insufficient to determine the pathogenicity of this variant conclusively.

This study involves interpretation of variants in research participants for the purpose of population health screening. Participant phenotype was not available at the time of variant classification. Additional details can be found in publication PMID: 35346344, PMCID: PMC8962531

Color Diagnostics, LLC DBA Color Health
Classification: Uncertain significance for Cardiomyopathy. Last evaluated: 2023-12-05. Review status: criteria provided, single submitter. Criteria: ACMG Guidelines, 2015. Collection method: clinical testing. Allele origin: germline.
Comment: Variant of Uncertain Significance due to insufficient evidence: This missense variant is located in the cytoplasmic domain of the RYR2 protein. Computational prediction tools and conservation analyses suggest that this variant may have deleterious impact on the protein function. Computational splicing tools suggest that this variant may not impact RNA splicing. To our knowledge, functional assays have not been performed for this variant nor has this variant been reported in individuals affected with cardiovascular disorders in the literature. This variant is rare in the general population and has been identified in 0/277264 chromosomes by the Genome Aggregation Database (gnomAD). Available evidence is insufficient to determine the pathogenicity of this variant conclusively.

AiLife Diagnostics
Classification: Uncertain significance. Last evaluated: 2022-02-01. Review status: criteria provided, single submitter. Criteria: ACMG Guidelines, 2015. Collection method: clinical testing. Allele origin: germline. Affected: yes. Observed: 1 variant allele.